The following is an entry in ClinVar:

NM_201253.3(CRB1):c.2696G>T (p.Gly899Val)

Gene: CRB1 (crumbs cell polarity complex component 1; plus strand). Cytogenetic location: 1q31.3.
Variant type: single nucleotide variant.
Coding change: c.2696G>T on transcript NM_201253.3 (MANE Select); coding-DNA position 2696, G replaced by T.
Protein change: p.Gly899Val; replaces glycine 899 with valine.
Molecular consequence: missense variant. On other transcripts: non-coding transcript variant (2), intron variant (1).
Genome position (GRCh38, 1-based): chr1:197,429,468, G>T. VCF-style: chr1-197429468-G-T. GRCh37 (hg19) VCF-style: chr1-197398598-G-T.
Other names: c.2360G>T, p.Gly787Val (NM_001193640.2); c.2624G>T, p.Gly875Val (NM_001257965.2); c.2129-6132G>T (NM_001257966.2); c.2696G>T (NM_201253.2); short protein forms G787V, G875V, G899V.
Identifiers: ClinVar variation 1045143 (VCV001045143.8), dbSNP rs1254393801, ClinGen allele CA344040429.

ClinVar aggregate classification (germline): Conflicting classifications of pathogenicity. Review status: criteria provided, conflicting classifications (1 of 4 stars). 3 submissions from 3 submitters: Likely pathogenic (1); Uncertain significance (1). 1 of the submissions does not count toward it. Last evaluated 2021-09-01.

Conditions:
Retinitis pigmentosa 12 (RP12). Also called: RP WITH OR WITHOUT PRESERVED PARAARTERIOLE RETINAL PIGMENT EPITHELIUM; RETINITIS PIGMENTOSA WITH OR WITHOUT PARAARTERIOLAR PRESERVATION OF RETINAL PIGMENT EPITHELIUM; RP WITH OR WITHOUT PPRPE. Identifiers: Orphanet 791, MedGen C1838647, MONDO:0010818, OMIM 600105.
Leber congenital amaurosis 8 (LCA8). Identifiers: Orphanet 65, MedGen C3151202, MONDO:0013453, OMIM 613835.
Leber congenital amaurosis (LCA). Also called: Leber's amaurosis. Identifiers: Orphanet 65, MedGen C0339527, MeSH D057130, MONDO:0018998.
Retinoschisis of fovea. Identifiers: MedGen C1849397, MONDO:0009988, OMIM 268080.

gnomAD v4.1: 1 of 1,613,942 alleles (0.000062%); highest among the groups gnomAD compares: Non-Finnish European, 0.000085%; no homozygotes.

Submissions (3):

Labcorp Genetics (formerly Invitae), Labcorp
Classification: Uncertain significance for Leber congenital amaurosis 8; Retinitis pigmentosa 12. Last evaluated: 2021-09-01. Review status: criteria provided, single submitter. Criteria: Invitae Variant Classification Sherloc (09022015). Collection method: clinical testing. Allele origin: germline.
Comment: This sequence change replaces glycine with valine at codon 899 of the CRB1 protein (p.Gly899Val). The glycine residue is highly conserved and there is a moderate physicochemical difference between glycine and valine. This variant is not present in population databases (ExAC no frequency). This missense change has been observed in individual(s) with retinitis pigmentosa (Invitae). Algorithms developed to predict the effect of missense changes on protein structure and function (SIFT, PolyPhen-2, Align-GVGD) all suggest that this variant is likely to be disruptive. Algorithms developed to predict the effect of sequence changes on RNA splicing suggest that this variant may create or strengthen a splice site. This variant disrupts the p.Gly899 amino acid residue in CRB1. Other variant(s) that disrupt this residue have been observed in individuals with CRB1-related conditions (PMID: 23379534), which suggests that this may be a clinically significant amino acid residue. In summary, the available evidence is currently insufficient to determine the role of this variant in disease. Therefore, it has been classified as a Variant of Uncertain Significance.

Ningxia Clinical Research Institute, People's Hospital of Ningxia Hui Autonomous Region
Classification: Likely pathogenic for Retinoschisis of fovea. Review status: criteria provided, single submitter. Criteria: ACMG Guidelines, 2015. Collection method: clinical testing. Allele origin: inherited. Inheritance: Autosomal recessive inheritance. Affected: yes. Observed: 1 variant allele, 1 compound heterozygote.
Comment: The NM_201253.3 c.2696G>T (p.Gly899Val) is a missense variant in CRB1. This variant is absent from the East Asian population in gnomAD (PM2_Supporting). Multiple in silico prediction tools suggest that this variant may have a deleterious effect on the gene or gene product (PP3). In summary, this variant meets criteria to be classified as likely pathogenic for familial foveal retinoschisis based on the ACMG/AMP criteria applied: PM2_Supporting, PM3, PP3, PP4.

Natera, Inc.
Classification: Uncertain significance for Leber congenital amaurosis. Last evaluated: 2025-03-14. Review status: no assertion criteria provided. Collection method: clinical testing. Allele origin: germline. Not counted in ClinVar's aggregate classification.

Literature cited by the submitters: PubMed 23379534 (cited by Labcorp Genetics (formerly Invitae), Labcorp).